The following is an entry in ClinVar:

ClinVar aggregate classification (germline): Uncertain significance. Review status: criteria provided, multiple submitters, no conflicts (2 of 4 stars). 2 submissions from 2 submitters: Uncertain significance (2). Last evaluated 2018-11-07.

Conditions:
Developmental and epileptic encephalopathy. Identifiers: MedGen C5779964, MONDO:0100620.
Inborn genetic diseases. Identifiers: MedGen C0950123, MeSH D030342.

Submissions (2):

Labcorp Genetics (formerly Invitae), Labcorp
Classification: Uncertain significance for Early infantile epileptic encephalopathy with suppression bursts. Last evaluated: 2018-11-07. Review status: criteria provided, single submitter. Criteria: Invitae Variant Classification Sherloc (09022015). Collection method: clinical testing. Allele origin: germline.
Comment: This sequence change replaces glycine with aspartic acid at codon 737 of the KCNQ2 protein (p.Gly737Asp). The glycine residue is moderately conserved and there is a moderate physicochemical difference between glycine and aspartic acid. The frequency data for this variant in the population databases is considered unreliable, as metrics indicate insufficient coverage at this position in the ExAC database. This variant has not been reported in the literature in individuals with KCNQ2-related disease. Algorithms developed to predict the effect of missense changes on protein structure and function (SIFT, PolyPhen-2, Align-GVGD) all suggest that this variant is likely to be tolerated, but these predictions have not been confirmed by published functional studies and their clinical significance is uncertain. In summary, the available evidence is currently insufficient to determine the role of this variant in disease. Therefore, it has been classified as a Variant of Uncertain Significance.

Ambry Genetics
Classification: Uncertain significance for Inborn genetic diseases. Last evaluated: 2018-04-26. Review status: criteria provided, single submitter. Criteria: Ambry Variant Classification Scheme 2023. Collection method: clinical testing. Allele origin: germline.
Comment: The p.G737D variant (also known as c.2210G>A), located in coding exon 17 of the KCNQ2 gene, results from a G to A substitution at nucleotide position 2210. The glycine at codon 737 is replaced by aspartic acid, an amino acid with similar properties. This amino acid position is not well conserved in available vertebrate species. In addition, the in silico prediction for this alteration is inconclusive. Since supporting evidence is limited at this time, the clinical significance of this alteration remains unclear.

NM_172107.4(KCNQ2):c.2210G>A (p.Gly737Asp)

Gene: KCNQ2 (potassium voltage-gated channel subfamily Q member 2; minus strand). Cytogenetic location: 20q13.33.
Variant type: single nucleotide variant.
Coding change: c.2210G>A on transcript NM_172107.4 (MANE Select); coding-DNA position 2210, G replaced by A.
Protein change: p.Gly737Asp; replaces glycine 737 with aspartic acid.
Molecular consequence: missense variant.
Genome position (GRCh38, 1-based): chr20:63,407,053, C>T on the plus strand (G>A on the coding strand, the complement: KCNQ2 is on the minus strand). VCF-style: chr20-63407053-C-T. GRCh37 (hg19) VCF-style: chr20-62038406-C-T.
Other names: c.2126G>A, p.Gly709Asp (NM_004518.6); c.2156G>A, p.Gly719Asp (NM_172106.3); c.2117G>A, p.Gly706Asp (NM_172108.5); short protein forms G706D, G719D, G737D, G709D.
Identifiers: ClinVar variation 657511 (VCV000657511.4), dbSNP rs751657917, ClinGen allele CA409638492.